The following is an entry in ClinVar:

ClinVar aggregate classification (germline): Uncertain significance. Review status: criteria provided, multiple submitters, no conflicts (2 of 4 stars). 2 submissions from 2 submitters: Uncertain significance (2). Last evaluated 2025-06-04.

Allele frequency attached by ClinVar (database versions not stated): gnomAD exomes 0.00001.

Submissions (2):

Labcorp Genetics (formerly Invitae), Labcorp
Classification: Uncertain significance. Last evaluated: 2025-06-04. Review status: criteria provided, single submitter. Criteria: Invitae Variant Classification Sherloc (09022015). Collection method: clinical testing. Allele origin: germline.
Comment: This sequence change replaces cysteine, which is neutral and slightly polar, with tyrosine, which is neutral and polar, at codon 3259 of the HUWE1 protein (p.Cys3259Tyr). This variant is present in population databases (no rsID available, gnomAD 0.001%). This variant has not been reported in the literature in individuals affected with HUWE1-related conditions. ClinVar contains an entry for this variant (Variation ID: 1190705). Invitae Evidence Modeling of protein sequence and biophysical properties (such as structural, functional, and spatial information, amino acid conservation, physicochemical variation, residue mobility, and thermodynamic stability) has been performed for this missense variant. However, the output from this modeling did not meet the statistical confidence thresholds required to predict the impact of this variant on HUWE1 protein function. In summary, the available evidence is currently insufficient to determine the role of this variant in disease. Therefore, it has been classified as a Variant of Uncertain Significance.

GeneDx
Classification: Uncertain significance. Last evaluated: 2021-07-07. Review status: criteria provided, single submitter. Criteria: GeneDx Variant Classification Process June 2021. Collection method: clinical testing. Allele origin: germline. Affected: yes.
Comment: In silico analysis supports that this missense variant does not alter protein structure/function; Has not been previously published as pathogenic or benign to our knowledge; This variant is associated with the following publications: (PMID: 27535533)

NM_031407.7(HUWE1):c.9776G>A (p.Cys3259Tyr)

Gene: HUWE1 (HECT, UBA and WWE domain containing E3 ubiquitin protein ligase 1; minus strand). Cytogenetic location: Xp11.22.
Variant type: single nucleotide variant.
Coding change: c.9776G>A on transcript NM_031407.7 (MANE Select); coding-DNA position 9776, G replaced by A.
Protein change: p.Cys3259Tyr; replaces cysteine 3259 with tyrosine.
Molecular consequence: missense variant.
Genome position (GRCh38, 1-based): chrX:53,549,218, C>T on the plus strand (G>A on the coding strand, the complement: HUWE1 is on the minus strand). VCF-style: chrX-53549218-C-T. GRCh37 (hg19) VCF-style: chrX-53576179-C-T.
Other names: short protein forms C3259Y.
Identifiers: ClinVar variation 1190705 (VCV001190705.3), dbSNP rs1556926290, ClinGen allele CA413137482.
Genomic context (GRCh38, chrX:53,549,218, plus strand): 5'-CTCTTTGACTCCATCTTGTGTAGCAGGTCCAGGGGACGGTTCTCATGGCTACTTGACCCA[C>T]AGCTCTTGCTCGACTTTTTGCCCTTTTCCTCACTTGTAGTGAGTTTGGGTGTTTCAATGC-3'
Protein context (NP_113584.3, residues 3249-3269): EEKGKKSSKS[Cys3259Tyr]GSSSHENRPL